The following is an entry in ClinVar:

ClinVar aggregate classification (germline): Uncertain significance. Review status: criteria provided, multiple submitters, no conflicts (2 of 4 stars). 2 submissions from 2 submitters: Uncertain significance (2). Last evaluated 2023-11-01.

Conditions:
Hereditary cancer-predisposing syndrome. Also called: Hereditary neoplastic syndrome; Neoplastic Syndromes, Hereditary; Hereditary Cancer Syndrome; Tumor predisposition. Identifiers: Orphanet 140162, MedGen C0027672, MeSH D009386, MONDO:0015356.

Submissions (2):

Ambry Genetics
Classification: Uncertain significance for Hereditary cancer-predisposing syndrome. Last evaluated: 2023-11-01. Review status: criteria provided, single submitter. Criteria: Ambry Variant Classification Scheme 2023. Collection method: clinical testing. Allele origin: germline.
Comment: The p.D510V variant (also known as c.1529A>T), located in coding exon 10 of the CTNNA1 gene, results from an A to T substitution at nucleotide position 1529. The aspartic acid at codon 510 is replaced by valine, an amino acid with highly dissimilar properties. This amino acid position is conserved. In addition, this alteration is predicted to be deleterious by in silico analysis. Since supporting evidence is limited at this time, the clinical significance of this alteration remains unclear.

Labcorp Genetics (formerly Invitae), Labcorp
Classification: Uncertain significance. Last evaluated: 2022-09-21. Review status: criteria provided, single submitter. Criteria: Invitae Variant Classification Sherloc (09022015). Collection method: clinical testing. Allele origin: germline.
Comment: In summary, the available evidence is currently insufficient to determine the role of this variant in disease. Therefore, it has been classified as a Variant of Uncertain Significance. Advanced modeling of protein sequence and biophysical properties (such as structural, functional, and spatial information, amino acid conservation, physicochemical variation, residue mobility, and thermodynamic stability) has been performed at Invitae for this missense variant, however the output from this modeling did not meet the statistical confidence thresholds required to predict the impact of this variant on CTNNA1 protein function. This variant has not been reported in the literature in individuals affected with CTNNA1-related conditions. This variant is not present in population databases (gnomAD no frequency). This sequence change replaces aspartic acid, which is acidic and polar, with valine, which is neutral and non-polar, at codon 510 of the CTNNA1 protein (p.Asp510Val).

NM_001903.5(CTNNA1):c.1529A>T (p.Asp510Val)

Gene: CTNNA1 (catenin alpha 1; plus strand). Cytogenetic location: 5q31.2.
Variant type: single nucleotide variant.
Coding change: c.1529A>T on transcript NM_001903.5 (MANE Select); coding-DNA position 1529, A replaced by T.
Protein change: p.Asp510Val; replaces aspartic acid 510 with valine.
Molecular consequence: missense variant.
Genome position (GRCh38, 1-based): chr5:138,917,881, A>T. VCF-style: chr5-138917881-A-T. GRCh37 (hg19) VCF-style: chr5-138253570-A-T.
Other names: c.1529A>T, p.Asp510Val (NM_001290307.3, NM_001323982.2, NM_001323983.1 and 2 more transcripts); c.1220A>T, p.Asp407Val (NM_001290309.3); c.1160A>T, p.Asp387Val (NM_001290310.3); c.419A>T, p.Asp140Val (NM_001290312.1, NM_001323987.1, NM_001323988.1 and 17 more transcripts); c.1436A>T, p.Asp479Val (NM_001323986.2); c.80A>T, p.Asp27Val (NM_001324006.1, NM_001324007.1, NM_001324008.1 and 2 more transcripts); c.326A>T, p.Asp109Val (NM_001324011.1); c.176A>T, p.Asp59Val (NM_001324012.1, NM_001324013.1); and 1 more; short protein forms D109V, D140V, D27V, D387V, D407V, D479V, D510V, D59V.
Identifiers: ClinVar variation 1719943 (VCV001719943.6), dbSNP rs2533591872, ClinGen allele CA361137393.